The following is an entry in ClinVar:

ClinVar aggregate classification (germline): Likely benign (1 of 4 stars; one submission).

Allele frequency attached by ClinVar (database versions not stated): gnomAD 0.01508; TOPMed 0.01708; 1000 Genomes Project 0.02236; 1000 Genomes Project 30x 0.02342.

Submission:

GeneDx
Classification: Likely benign. Last evaluated: 2019-11-25. Review status: criteria provided, single submitter. Criteria: GeneDx Variant Classification Process June 2021. Collection method: clinical testing. Allele origin: germline. Affected: yes.
Comment: See Variant Classification Assertion Criteria.

NM_000021.4(PSEN1):c.956-217_956-216insA

Gene: PSEN1 (presenilin 1; plus strand). Cytogenetic location: 14q24.2.
Variant type: Insertion.
Coding change: c.956-217_956-216insA on transcript NM_000021.4 (MANE Select); 217 bases into the intron before coding-DNA position 956 through 216 bases into the intron before coding-DNA position 956, A inserted.
Molecular consequence: intron variant.
Genome position: GRCh38 VCF-style: chr14-73211552-G-GA. GRCh37 (hg19) VCF-style: chr14-73678260-G-GA.
Other names: c.944-217_944-216insA (NM_007318.3).
Identifiers: ClinVar variation 1707164 (VCV001707164.2), dbSNP rs141655641, ClinGen allele CA262618639.